The following is an entry in ClinVar:

ClinVar aggregate classification (germline): Uncertain significance (1 of 4 stars; one submission).

Conditions:
Myoclonic dystonia 11 (DYT11). Also called: SGCE Myoclonus-Dystonia; Myoclonus-Dystonia; DYT-SGCE; Myoclonic dystonia; Dystonia 11; Dystonia, alcohol responsive. Identifiers: Orphanet 36899, MedGen C1834570, MONDO:0008044, OMIM 159900.

Allele frequency attached by ClinVar (database versions not stated): gnomAD exomes below 0.00001; gnomAD 0.00001; TOPMed 0.00002.
gnomAD v4.1: 5 of 1,607,954 alleles (0.00031%); highest among the groups gnomAD compares: Non-Finnish European, 0.00043%; no homozygotes.

Submission:

Labcorp Genetics (formerly Invitae), Labcorp
Classification: Uncertain significance for Myoclonic dystonia 11. Last evaluated: 2025-05-11. Review status: criteria provided, single submitter. Criteria: Invitae Variant Classification Sherloc (09022015). Collection method: clinical testing. Allele origin: germline.
Comment: This sequence change replaces arginine, which is basic and polar, with glycine, which is neutral and non-polar, at codon 5 of the SGCE protein (p.Arg5Gly). This variant is present in population databases (no rsID available, gnomAD 0.007%). This variant has not been reported in the literature in individuals affected with SGCE-related conditions. ClinVar contains an entry for this variant (Variation ID: 659080). An algorithm developed to predict the effect of missense changes on protein structure and function (PolyPhen-2) suggests that this variant is likely to be tolerated. In summary, the available evidence is currently insufficient to determine the role of this variant in disease. Therefore, it has been classified as a Variant of Uncertain Significance.

NM_003919.3(SGCE):c.13C>G (p.Arg5Gly)

Gene: SGCE (sarcoglycan epsilon; minus strand). Cytogenetic location: 7q21.3.
Variant type: single nucleotide variant.
Coding change: c.13C>G on transcript NM_003919.3 (MANE Select); coding-DNA position 13, C replaced by G.
Protein change: p.Arg5Gly; replaces arginine 5 with glycine.
Molecular consequence: missense variant. On other transcripts: 5 prime UTR variant (4).
Genome position (GRCh38, 1-based): chr7:94,656,086, G>C on the plus strand (C>G on the coding strand, the complement: SGCE is on the minus strand). VCF-style: chr7-94656086-G-C. GRCh37 (hg19) VCF-style: chr7-94285398-G-C.
Other names: c.13C>G, p.Arg5Gly (NM_001099400.2, NM_001099401.2, NM_001301139.2 and 4 more transcripts); c.-245C>G (NM_001346719.2); c.-323C>G (NM_001346720.2, NM_001362808.2); c.-251C>G (NM_001362807.2); short protein forms R5G.
Identifiers: ClinVar variation 659080 (VCV000659080.10), dbSNP rs966640985, ClinGen allele CA163086034.